The following is an entry in ClinVar:

ClinVar aggregate classification (germline): Uncertain significance (1 of 4 stars; one submission).

Conditions:
Charcot-Marie-Tooth disease X-linked dominant 6. Also called: CHARCOT-MARIE-TOOTH NEUROPATHY, X-LINKED DOMINANT, 6. Identifiers: Orphanet 352675, MedGen C3806702, MONDO:0010479, OMIM 300905.

Submission:

Labcorp Genetics (formerly Invitae), Labcorp
Classification: Uncertain significance for Charcot-Marie-Tooth disease X-linked dominant 6. Last evaluated: 2019-08-06. Review status: criteria provided, single submitter. Criteria: Invitae Variant Classification Sherloc (09022015). Collection method: clinical testing. Allele origin: germline.
Comment: This sequence change replaces leucine with proline at codon 369 of the PDK3 protein (p.Leu369Pro). The leucine residue is highly conserved and there is a moderate physicochemical difference between leucine and proline. In summary, the available evidence is currently insufficient to determine the role of this variant in disease. Therefore, it has been classified as a Variant of Uncertain Significance. Algorithms developed to predict the effect of missense changes on protein structure and function are either unavailable or do not agree on the potential impact of this missense change (SIFT: "Tolerated"; PolyPhen-2: "Probably Damaging"; Align-GVGD: "Class C0"). This variant has not been reported in the literature in individuals with PDK3-related conditions. This variant is not present in population databases (ExAC no frequency).

NM_005391.5(PDK3):c.1106T>C (p.Leu369Pro)

Gene: PDK3 (pyruvate dehydrogenase kinase 3; plus strand). Cytogenetic location: Xp22.11.
Variant type: single nucleotide variant.
Coding change: c.1106T>C on transcript NM_005391.5 (MANE Select); coding-DNA position 1106, T replaced by C.
Protein change: p.Leu369Pro; replaces leucine 369 with proline.
Molecular consequence: missense variant.
Genome position (GRCh38, 1-based): chrX:24,533,957, T>C. VCF-style: chrX-24533957-T-C. GRCh37 (hg19) VCF-style: chrX-24552074-T-C.
Other names: c.1106T>C, p.Leu369Pro (NM_001142386.3); short protein forms L369P.
Identifiers: ClinVar variation 955149 (VCV000955149.9), dbSNP rs1922715462, ClinGen allele CA412603666.